The following is an entry in ClinVar:

ClinVar aggregate classification (germline): Uncertain significance. Review status: criteria provided, multiple submitters, no conflicts (2 of 4 stars). 2 submissions from 2 submitters: Uncertain significance (2). Last evaluated 2025-08-12.

Allele frequency attached by ClinVar (database versions not stated): gnomAD exomes 0.00009 and 0.00003; ExAC 0.00001; gnomAD 0.00005 and 0.00006.
gnomAD v4.1: 149 of 1,613,152 alleles (0.0092%); highest among the groups gnomAD compares: Non-Finnish European, 0.012%; 1 homozygote.

Submissions (2):

Ambry Genetics
Classification: Uncertain significance. Last evaluated: 2025-08-12. Review status: criteria provided, single submitter. Criteria: Ambry Variant Classification Scheme 2023. Collection method: clinical testing. Allele origin: germline.

Labcorp Genetics (formerly Invitae), Labcorp
Classification: Uncertain significance. Last evaluated: 2024-05-28. Review status: criteria provided, single submitter. Criteria: Invitae Variant Classification Sherloc (09022015). Collection method: clinical testing. Allele origin: germline.
Comment: This sequence change replaces proline, which is neutral and non-polar, with leucine, which is neutral and non-polar, at codon 395 of the LIG1 protein (p.Pro395Leu). This variant is present in population databases (rs772164976, gnomAD 0.006%). This variant has not been reported in the literature in individuals affected with LIG1-related conditions. ClinVar contains an entry for this variant (Variation ID: 1363674). An algorithm developed to predict the effect of missense changes on protein structure and function (PolyPhen-2) suggests that this variant¬†is likely to be tolerated. In summary, the available evidence is currently insufficient to determine the role of this variant in disease. Therefore, it has been classified as a Variant of Uncertain Significance.

NM_000234.3(LIG1):c.1184C>T (p.Pro395Leu)

Gene: LIG1 (DNA ligase 1; minus strand). Cytogenetic location: 19q13.33.
Variant type: single nucleotide variant.
Coding change: c.1184C>T on transcript NM_000234.3 (MANE Select); coding-DNA position 1184, C replaced by T.
Protein change: p.Pro395Leu; replaces proline 395 with leucine.
Molecular consequence: missense variant. On other transcripts: non-coding transcript variant (6).
Genome position (GRCh38, 1-based): chr19:48,137,592, G>A on the plus strand (C>T on the coding strand, the complement: LIG1 is on the minus strand). VCF-style: chr19-48137592-G-A. GRCh37 (hg19) VCF-style: chr19-48640849-G-A.
Other names: c.1091C>T, p.Pro364Leu (NM_001289063.2); c.980C>T, p.Pro327Leu (NM_001289064.2); c.1181C>T, p.Pro394Leu (NM_001320970.2); c.1094C>T, p.Pro365Leu (NM_001320971.2); c.1184C>T (NM_000234.1); short protein forms P394L, P364L, P395L, P327L, P365L.
Identifiers: ClinVar variation 1363674 (VCV001363674.7), dbSNP rs772164976, ClinGen allele CA9546928.